The following is an entry in ClinVar:

NM_024675.4(PALB2):c.670_671delinsAT (p.Pro224Ile)

Gene: PALB2 (partner and localizer of BRCA2; minus strand). Cytogenetic location: 16p12.2.
Variant type: Indel.
Coding change: c.670_671delinsAT on transcript NM_024675.4 (MANE Select); coding-DNA positions 670 to 671, CC replaced by AT.
Protein change: p.Pro224Ile; replaces proline 224 with isoleucine.
Molecular consequence: missense variant. On other transcripts: 5 prime UTR variant (8), intron variant (3).
Genome position (GRCh38, 1-based): chr16:23,635,875-23,635,876, GG replaced by AT on the plus strand (CC replaced by AT on the coding strand, the reverse complement: PALB2 is on the minus strand). VCF-style: chr16-23635875-GG-AT. GRCh37 (hg19) VCF-style: chr16-23647196-GG-AT.
Other names: c.610_611delinsAT, p.Pro204Ile (NM_001407296.1); c.670_671delinsAT, p.Pro224Ile (NM_001407297.1, NM_001407298.1, NM_001407299.1 and 3 more transcripts); c.-216_-215delinsAT (NM_001407304.1, NM_001407305.1, NM_001407306.1 and 5 more transcripts); c.48+5234_48+5235delinsAT (NM_001407314.1); c.-105+5234_-105+5235delinsAT (NM_001407313.1, NM_001407312.1); short protein forms P204I, P224I.
Identifiers: ClinVar variation 2677443 (VCV002677443.4), dbSNP rs2506503522, ClinGen allele CA2695197545.
Genomic context (GRCh38, chr16:23,635,875, plus strand): 5'-CTGGTGAAATTAGGTCTTCTTAGGAATGTATCAACACCTTTTTCTGGTTGGGCAGTTGGT[GG>AT]AATTAATACACTGTCTTCATTAATTTCTGTAACTGGTTCTGGAGAATCTGGAAGTTCAGA-3'
Protein context (NP_078951.2, residues 214-234): TEINEDSVLI[Pro224Ile]PTAQPEKGVD

ClinVar aggregate classification (germline): Uncertain significance. Review status: criteria provided, multiple submitters, no conflicts (2 of 4 stars). 2 submissions from 2 submitters: Uncertain significance (2). Last evaluated 2023-10-17.

Conditions:
Familial cancer of breast. Also called: BREAST CANCER, FAMILIAL; hereditary breast carcinoma; Hereditary breast cancer. Identifiers: Orphanet 227535, MedGen C0346153, MONDO:0016419, OMIM 114480. Disease mechanism: loss of function.

Submissions (2):

Baylor Genetics
Classification: Uncertain significance for Familial cancer of breast. Last evaluated: 2023-10-17. Review status: criteria provided, single submitter. Criteria: ACMG Guidelines, 2015. Collection method: clinical testing. Allele origin: unknown.

Labcorp Genetics (formerly Invitae), Labcorp
Classification: Uncertain significance for Familial cancer of breast. Last evaluated: 2023-03-29. Review status: criteria provided, single submitter. Criteria: Invitae Variant Classification Sherloc (09022015). Collection method: clinical testing. Allele origin: germline.
Comment: This variant has not been reported in the literature in individuals affected with PALB2-related conditions. Information on the frequency of this variant in the gnomAD database is not available, as this variant may be reported differently in the database. This sequence change replaces proline, which is neutral and non-polar, with isoleucine, which is neutral and non-polar, at codon 224 of the PALB2 protein (p.Pro224Ile). An algorithm developed to predict the effect of missense changes on protein structure and function (PolyPhen-2) suggests that this variant is likely to be disruptive. In summary, the available evidence is currently insufficient to determine the role of this variant in disease. Therefore, it has been classified as a Variant of Uncertain Significance.